The following is an entry in ClinVar:

ClinVar aggregate classification (germline): Likely benign. Review status: criteria provided, multiple submitters, no conflicts (2 of 4 stars). 2 submissions from 2 submitters: Likely benign (2). Last evaluated 2025-05-15.

Conditions:
Tuberous sclerosis 2 (TSC2). Identifiers: Orphanet 805, MedGen C1860707, MONDO:0013199, OMIM 613254.

gnomAD v4.1: 1 of 1,611,020 alleles (0.000062%); highest among the groups gnomAD compares: Middle Eastern, 0.017%; no homozygotes.

Submissions (2):

Myriad Genetics, Inc.
Classification: Likely benign for Tuberous sclerosis 2. Last evaluated: 2025-05-15. Review status: criteria provided, single submitter. Criteria: Myriad Autosomal Dominant, Autosomal Recessive and X-Linked Classification Criteria (2023). Collection method: clinical testing. Allele origin: unknown.
Comment: This variant is considered likely benign. This variant is intronic and is not expected to impact mRNA splicing.

Labcorp Genetics (formerly Invitae), Labcorp
Classification: Likely benign for Tuberous sclerosis 2. Last evaluated: 2024-07-23. Review status: criteria provided, single submitter. Criteria: Invitae Variant Classification Sherloc (09022015). Collection method: clinical testing. Allele origin: germline.

NM_000548.5(TSC2):c.1716+10C>T

Gene: TSC2 (TSC complex subunit 2; plus strand). Cytogenetic location: 16p13.3.
Variant type: single nucleotide variant.
Coding change: c.1716+10C>T on transcript NM_000548.5 (MANE Select); 10 bases into the intron after coding-DNA position 1716, C replaced by T.
Molecular consequence: intron variant.
Genome position (GRCh38, 1-based): chr16:2,065,645, C>T. VCF-style: chr16-2065645-C-T. GRCh37 (hg19) VCF-style: chr16-2115646-C-T.
Other names: c.1716+10C>T (NM_001114382.3, NM_021055.3, NM_001370405.1 and 3 more transcripts); c.1605+10C>T (NM_001318827.2); c.1116+10C>T (NM_001318831.2); c.1569+10C>T (NM_001318829.2); c.1749+10C>T (NM_001318832.2).
Identifiers: ClinVar variation 759576 (VCV000759576.11), dbSNP rs45464995, ClinGen allele CA915946243.
Genomic context (GRCh38, chr16:2,065,645, plus strand): 5'-TCCTTGGAGGATGTGAAGACAGCCGTCCTGGGGCTTCTGGTCATCCTTCAGGTGGGTGTT[C>T]TGCACGAGGCCTCTGCTCCCGGGGCGCGCATGGCTAGCGTCCACCAGCTGCATCTGCGTT-3'